The following is an entry in ClinVar:

NM_152443.3(RDH12):c.698T>A (p.Val233Asp)

Genes: GPHN (gephyrin; plus strand), RDH12 (retinol dehydrogenase 12; plus strand), ZFYVE26 (zinc finger FYVE-type containing 26; minus strand). Cytogenetic location: 14q24.1.
Variant type: single nucleotide variant.
Coding change: c.698T>A on transcript NM_152443.3 (MANE Select); coding-DNA position 698, T replaced by A.
Protein change: p.Val233Asp; replaces valine 233 with aspartic acid.
Molecular consequence: missense variant.
Genome position (GRCh38, 1-based): chr14:67,729,230, T>A. VCF-style: chr14-67729230-T-A. GRCh37 (hg19) VCF-style: chr14-68195947-T-A.
Other names: short protein forms V233D.
Identifiers: ClinVar variation 1301382 (VCV001301382.4), dbSNP rs144148976, ClinGen allele CA7238795.

ClinVar aggregate classification (germline): Pathogenic/Likely pathogenic. Review status: criteria provided, multiple submitters, no conflicts (2 of 4 stars). 3 submissions from 3 submitters: Pathogenic (2); Likely pathogenic (1). Last evaluated 2025-10-22.

Conditions:
Leber congenital amaurosis (LCA). Also called: Leber's amaurosis. Identifiers: Orphanet 65, MedGen C0339527, MeSH D057130, MONDO:0018998.
RDH12-related disorder. Also called: RDH12-related condition; RDH12-related disorders.

Allele frequency attached by ClinVar (database versions not stated): gnomAD exomes 0.00001; ExAC 0.00002; gnomAD 0.00003; TOPMed 0.00005; ESP Exome Variant Server 0.00015.
gnomAD v4.1: 16 of 1,611,408 alleles (0.00099%); highest among the groups gnomAD compares: African/African-American, 0.011%; no homozygotes.

Submissions (3):

Dasa
Classification: Likely pathogenic. Last evaluated: 2025-10-22. Review status: criteria provided, single submitter. Criteria: DASA Assertion Criteria. Collection method: clinical testing. Allele origin: germline.
Comment: NM_152443.3(RDH12):c.698T>A (p.Val233Asp) is a missense variant that results in the substitution of valine with aspartic acid. The affected residue or protein region has prior evidence supporting clinical relevance. This variant has been recurrently observed in individuals with RDH12-related disorders (PMID: 20736127; PMID: 32865313). Also, this variant is rare in population databases. Based on the currently available evidence, this variant is classified as likely pathogenic.

Blueprint Genetics
Classification: Pathogenic for RDH12-related disorders. Last evaluated: 2022-11-17. Review status: criteria provided, single submitter. Criteria: ACMG Guidelines, 2015. Collection method: clinical testing. Allele origin: germline. Affected: yes. Observed: 5 variant alleles.

Women's Health and Genetics/Laboratory Corporation of America, LabCorp
Classification: Pathogenic for Leber congenital amaurosis. Last evaluated: 2021-09-10. Review status: criteria provided, single submitter. Criteria: LabCorp Variant Classification Summary - May 2015. Collection method: clinical testing. Allele origin: germline.
Comment: Variant summary: RDH12 c.698T>A (p.Val233Asp) results in a non-conservative amino acid change in the encoded protein sequence. Five of five in-silico tools predict a damaging effect of the variant on protein function. The variant allele was found at a frequency of 1.2e-05 in 249000 control chromosomes (gnomAD). c.698T>A has been reported in the literature in multiple compound heterozygous and homozygous individuals affected with Leber Congenital Amaurosis/Early-Onset Retinal Dystrophy (e.g. Coppieters_2010, Sodi_2010, Porto_2017, Garg_2018, Fahim_2019, Sallum_2020). These data indicate that the variant is very likely to be associated with disease. To our knowledge, no experimental evidence demonstrating an impact on protein function has been reported. No clinical diagnostic laboratories have submitted clinical-significance assessments for this variant to ClinVar after 2014. Based on the evidence outlined above, the variant was classified as pathogenic.

Literature cited by the submitters: PubMed 20736127 (cited by Dasa and Women's Health and Genetics/Laboratory Corporation of America, LabCorp); PubMed 32865313 (cited by Dasa and Women's Health and Genetics/Laboratory Corporation of America, LabCorp); PubMed 20683928 (cited by Women's Health and Genetics/Laboratory Corporation of America, LabCorp); PubMed 30979730 (cited by Women's Health and Genetics/Laboratory Corporation of America, LabCorp); PubMed 28513254 (cited by Women's Health and Genetics/Laboratory Corporation of America, LabCorp); PubMed 29186038 (cited by Women's Health and Genetics/Laboratory Corporation of America, LabCorp).